The following is an entry in ClinVar:

NM_001048174.2(MUTYH):c.1258C>G (p.His420Asp)

Gene: MUTYH (mutY DNA glycosylase; minus strand). Cytogenetic location: 1p34.1.
Variant type: single nucleotide variant.
Coding change: c.1258C>G on transcript NM_001048174.2 (MANE Select); coding-DNA position 1258, C replaced by G.
Protein change: p.His420Asp; replaces histidine 420 with aspartic acid.
Molecular consequence: missense variant. On other transcripts: non-coding transcript variant (2).
Genome position (GRCh38, 1-based): chr1:45,331,316, G>C on the plus strand (C>G on the coding strand, the complement: MUTYH is on the minus strand). VCF-style: chr1-45331316-G-C. GRCh37 (hg19) VCF-style: chr1-45796988-G-C.
Other names: c.1258C>G, p.His420Asp (NM_001048171.2, NM_001048173.2, NM_001293195.2); c.1261C>G, p.His421Asp (NM_001048172.2); c.1342C>G, p.His448Asp (NM_001128425.2); c.1303C>G, p.His435Asp (NM_001293190.2); c.1291C>G, p.His431Asp (NM_001293191.2); c.982C>G, p.His328Asp (NM_001293192.2, NM_001293196.2); c.913C>G, p.His305Asp (NM_001350650.2, NM_001350651.2); c.1333C>G, p.His445Asp (NM_012222.3); short protein forms H448D, H431D, H305D, H435D, H420D, H445D, H328D, H421D.
Identifiers: ClinVar variation 185383 (VCV000185383.20), dbSNP rs786202133, ClinGen allele CA012643.
Genomic context (GRCh38, chr1:45,331,316, plus strand): 5'-TGGTCACTGGGGTCTGCCCTTCCAAGGCCAGCCCATATACTTGATATGTCAGCTTGATGT[G>C]AGAGAAGGTGTGGACAACCTGGAGGAAGGGTCAAGGGGTTCAAATAGGCCTGTGGATATA-3'
Protein context (NP_001041639.1, residues 410-430): HLGEVVHTFS[His420Asp]IKLTYQVYGL

ClinVar aggregate classification (germline): Conflicting classifications of pathogenicity. Review status: criteria provided, conflicting classifications (1 of 4 stars). 5 submissions from 5 submitters: Likely pathogenic (3); Uncertain significance (2). Last evaluated 2026-08-21.

Conditions:
Familial adenomatous polyposis 2. Also called: Adenomas, multiple colorectal; COLORECTAL ADENOMATOUS POLYPOSIS, AUTOSOMAL RECESSIVE; FAP type 2; MYH-associated polyposis; MUTYH-associated polyposis; MUTYH Polyposis. Identifiers: Orphanet 220460, Orphanet 247798, MedGen C3272841, MONDO:0012041, OMIM 608456.
Hereditary cancer-predisposing syndrome. Also called: Neoplastic Syndromes, Hereditary; Tumor predisposition; Hereditary Cancer Syndrome; Hereditary neoplastic syndrome. Identifiers: Orphanet 140162, MedGen C0027672, MeSH D009386, MONDO:0015356.

Allele frequency attached by ClinVar (database versions not stated): gnomAD exomes below 0.00001.
gnomAD v4.1: 1 of 1,614,212 alleles (0.000062%); highest among the groups gnomAD compares: Non-Finnish European, 0.000085%; no homozygotes.

Submissions (5):

Myriad Genetics, Inc.
Classification: Likely pathogenic for Familial adenomatous polyposis 2. Last evaluated: 2026-08-21. Review status: criteria provided, single submitter. Criteria: Myriad Autosomal Dominant, Autosomal Recessive and X-Linked Classification Criteria (2023). Collection method: clinical testing. Allele origin: unknown.
Comment: This variant is considered likely pathogenic. Functional studies indicate this variant impacts protein function [PMID: 40738107]. This variant is expected to disrupt protein structure [Myriad internal data].

Labcorp Genetics (formerly Invitae), Labcorp
Classification: Uncertain significance for Familial adenomatous polyposis 2. Last evaluated: 2026-01-11. Review status: criteria provided, single submitter. Criteria: Invitae Variant Classification Sherloc (09022015). Collection method: clinical testing. Allele origin: germline.
Comment: This sequence change replaces histidine, which is basic and polar, with aspartic acid, which is acidic and polar, at codon 448 of the MUTYH protein (p.His448Asp). This variant is not present in population databases (gnomAD no frequency). This missense change has been observed in individual(s) with primary sclerosing cholangitis (PMID: 19443904). ClinVar contains an entry for this variant (Variation ID: 185383). An algorithm developed to predict the effect of missense changes on protein structure and function (PolyPhen-2) suggests that this variant is likely to be disruptive. Experimental studies are conflicting or provide insufficient evidence to determine the effect of this variant on MUTYH function (PMID: 19443904). In summary, the available evidence is currently insufficient to determine the role of this variant in disease. Therefore, it has been classified as a Variant of Uncertain Significance.

Ambry Genetics
Classification: Likely pathogenic for Hereditary cancer-predisposing syndrome. Last evaluated: 2025-08-15. Review status: criteria provided, single submitter. Criteria: Ambry Variant Classification Scheme 2023. Collection method: clinical testing. Allele origin: germline.
Comment: The p.H448D variant (also known as c.1342C>G), located in coding exon 14 of the MUTYH gene, results from a C to G substitution at nucleotide position 1342. The histidine at codon 448 is replaced by aspartic acid, an amino acid with similar properties. In a massively parallel cell-based functional assay testing 7,8-dihydro-8-oxoguanine:adenine (8OG:A) repair activity, a byproduct of oxidative damage, this variant was reported to be non-functional (Hemker SL et al. Am J Hum Genet. Published online July 29, 2025. DOI: 10.1016/j.ajhg.2025.07.005). A different functional analyses of this alteration showed decreased/impaired DNA glycosylase activity compared to wild type MUTYH (Forsbring M, Carcinogenesis 2009 Jul; 30(7):1147-54). This amino acid position is highly conserved in available vertebrate species. In addition, this alteration is predicted to be deleterious by in silico analysis. This variant is considered to be rare based on population cohorts in the Genome Aggregation Database (gnomAD).Based on the majority of available evidence to date, this variant is likely to be pathogenic.

Baylor Genetics
Classification: Uncertain significance for Familial adenomatous polyposis 2. Last evaluated: 2023-08-06. Review status: criteria provided, single submitter. Criteria: ACMG Guidelines, 2015. Collection method: clinical testing. Allele origin: unknown.

Center for Human Genetics, Inc
Classification: Likely pathogenic for Familial adenomatous polyposis 2. Last evaluated: 2016-11-01. Review status: criteria provided, single submitter. Criteria: ACMG Guidelines, 2015. Collection method: clinical testing. Allele origin: germline. Affected: yes.

Literature cited by the submitters: PubMed 40738107 (cited by Myriad Genetics, Inc. and Ambry Genetics); PubMed 19443904 (cited by Labcorp Genetics (formerly Invitae), Labcorp and Ambry Genetics).